The following is an entry in ClinVar:

ClinVar aggregate classification (germline): Uncertain significance. Review status: criteria provided, multiple submitters, no conflicts (2 of 4 stars). 2 submissions from 2 submitters: Uncertain significance (2). Last evaluated 2025-06-10.

gnomAD v4.1: 3 of 1,614,136 alleles (0.00019%); highest among the groups gnomAD compares: Non-Finnish European, 0.00025%; no homozygotes.

Submissions (2):

Ambry Genetics
Classification: Uncertain significance. Last evaluated: 2025-06-10. Review status: criteria provided, single submitter. Criteria: Ambry Variant Classification Scheme 2023. Collection method: clinical testing. Allele origin: germline.

Labcorp Genetics (formerly Invitae), Labcorp
Classification: Uncertain significance. Last evaluated: 2024-07-16. Review status: criteria provided, single submitter. Criteria: Invitae Variant Classification Sherloc (09022015). Collection method: clinical testing. Allele origin: germline.
Comment: This sequence change replaces alanine, which is neutral and non-polar, with aspartic acid, which is acidic and polar, at codon 587 of the SEMA4A protein (p.Ala587Asp). This variant is not present in population databases (gnomAD no frequency). This variant has not been reported in the literature in individuals affected with SEMA4A-related conditions. Advanced modeling of protein sequence and biophysical properties (such as structural, functional, and spatial information, amino acid conservation, physicochemical variation, residue mobility, and thermodynamic stability) performed at Invitae indicates that this missense variant is expected to disrupt SEMA4A protein function with a positive predictive value of 80%. In summary, the available evidence is currently insufficient to determine the role of this variant in disease. Therefore, it has been classified as a Variant of Uncertain Significance.

NM_022367.4(SEMA4A):c.1760C>A (p.Ala587Asp)

Gene: SEMA4A (semaphorin 4A; plus strand). Cytogenetic location: 1q22.
Variant type: single nucleotide variant.
Coding change: c.1760C>A on transcript NM_022367.4 (MANE Select); coding-DNA position 1760, C replaced by A.
Protein change: p.Ala587Asp; replaces alanine 587 with aspartic acid.
Molecular consequence: missense variant.
Genome position (GRCh38, 1-based): chr1:156,176,471, C>A. VCF-style: chr1-156176471-C-A. GRCh37 (hg19) VCF-style: chr1-156146262-C-A.
Other names: c.1760C>A, p.Ala587Asp (NM_001193300.2, NM_001193301.2, NM_001370567.1); c.1364C>A, p.Ala455Asp (NM_001193302.2); c.1463C>A, p.Ala488Asp (NM_001370568.1); c.1253C>A, p.Ala418Asp (NM_001370569.1, NM_001370571.1); c.1760C>A (NM_022367.3); short protein forms A418D, A455D, A488D, A587D.
Identifiers: ClinVar variation 3687354 (VCV003687354.3).